The following is an entry in ClinVar:

NC_000020.10:g.(?_389402)_(390689_?)dup

Gene: RBCK1 (RANBP2-type and C3HC4-type zinc finger containing 1; plus strand). Cytogenetic location: 20p13.
Variant type: Duplication.
Identifiers: ClinVar variation 2426961 (VCV002426961.4).

ClinVar aggregate classification (germline): Uncertain significance (1 of 4 stars; one submission).

Conditions:
Polyglucosan body myopathy type 1 (PGBM1). Also called: Polyglucosan body myopathy 1 with or without immunodeficiency; POLYGLUCOSAN BODY MYOPATHY WITHOUT IMMUNODEFICIENCY. Identifiers: Orphanet 329173, Orphanet 397937, MedGen C4014605, MONDO:0014389, OMIM 615895.

Submission:

Labcorp Genetics (formerly Invitae), Labcorp
Classification: Uncertain significance for Polyglucosan body myopathy type 1. Last evaluated: 2023-11-28. Review status: criteria provided, single submitter. Criteria: Invitae Variant Classification Sherloc (09022015). Collection method: clinical testing. Allele origin: germline.
Comment: This variant results in a copy number gain of the genomic region encompassing exon(s) 1-2 of the RBCK1 gene. This region includes the initiator codon of the gene. This copy number gain extends beyond the assayed region for this gene and therefore may encompass additional genes. As the precise location of this event is unknown, it may be in tandem or it may be located elsewhere in the genome. This variant has not been reported in the literature in individuals affected with RBCK1-related conditions. Experimental studies and prediction algorithms are not available or were not evaluated, and the functional significance of this variant is currently unknown. In summary, the available evidence is currently insufficient to determine the role of this variant in disease. Therefore, it has been classified as a Variant of Uncertain Significance.